The following is an entry in ClinVar:

NM_000090.4(COL3A1):c.3040-12T>C

Gene: COL3A1 (collagen type III alpha 1 chain; plus strand). Cytogenetic location: 2q32.2.
Variant type: single nucleotide variant.
Coding change: c.3040-12T>C on transcript NM_000090.4 (MANE Select); 12 bases into the intron before coding-DNA position 3040, T replaced by C.
Molecular consequence: intron variant.
Genome position (GRCh38, 1-based): chr2:189,006,194, T>C. VCF-style: chr2-189006194-T-C. GRCh37 (hg19) VCF-style: chr2-189870920-T-C.
Identifiers: ClinVar variation 628693 (VCV000628693.9), dbSNP rs757034411, ClinGen allele CA075808.

ClinVar aggregate classification (germline): Likely benign. Review status: criteria provided, multiple submitters, no conflicts (2 of 4 stars). 4 submissions from 4 submitters: Likely benign (4). Last evaluated 2025-08-26.

Conditions:
Familial thoracic aortic aneurysm and aortic dissection (TAAD). Also called: Thoracic aortic aneurysms and dissections. Identifiers: Orphanet 91387, MedGen C4707243, MONDO:0019625.
Ehlers-Danlos syndrome, type 4 (EDSVASC). Also called: Ehlers-Danlos syndrome vascular type; Ehlers Danlos syndrome, ecchymotic type; Ehlers Danlos syndrome, arterial type; Ehlers Danlos syndrome, Sack-Barabas type; Ehlers-Danlos Syndrome Type IV. Identifiers: Orphanet 286, MedGen C0268338, MONDO:0017314, OMIM 130050.

Allele frequency attached by ClinVar (database versions not stated): ExAC 0.00001; gnomAD 0.00001; gnomAD exomes 0.00001; TOPMed 0.00002.
gnomAD v4.1: 20 of 1,613,924 alleles (0.0012%); highest among the groups gnomAD compares: African/African-American, 0.0027%; no homozygotes.

Submissions (4):

Labcorp Genetics (formerly Invitae), Labcorp
Classification: Likely benign for Ehlers-Danlos syndrome, type 4. Last evaluated: 2025-08-26. Review status: criteria provided, single submitter. Criteria: Invitae Variant Classification Sherloc (09022015). Collection method: clinical testing. Allele origin: germline.

All of Us Research Program, National Institutes of Health
Classification: Likely benign for Ehlers-Danlos syndrome, type 4. Last evaluated: 2024-03-24. Review status: criteria provided, single submitter. Criteria: ACMG Guidelines, 2015. Collection method: clinical testing. Allele origin: germline. Inheritance: Autosomal dominant inheritance. Observed: 3 variant alleles, 3 heterozygotes.
Comment: This study involves interpretation of variants in research participants for the purpose of population health screening. Participant phenotype was not available at the time of variant classification. Additional details can be found in publication PMID: 35346344, PMCID: PMC8962531

GeneDx
Classification: Likely benign. Last evaluated: 2020-09-29. Review status: criteria provided, single submitter. Criteria: GeneDx Variant Classification Process June 2021. Collection method: clinical testing. Allele origin: germline. Affected: yes.

Color Diagnostics, LLC DBA Color Health
Classification: Likely benign for Familial thoracic aortic aneurysm and aortic dissection. Last evaluated: 2018-06-18. Review status: criteria provided, single submitter. Criteria: ACMG Guidelines, 2015. Collection method: clinical testing. Allele origin: germline.